The following is an entry in ClinVar:

ClinVar aggregate classification (germline): Uncertain significance. Review status: criteria provided, multiple submitters, no conflicts (2 of 4 stars). 5 submissions from 5 submitters: Uncertain significance (5). Last evaluated 2025-03-05.

Conditions:
Inborn genetic diseases. Identifiers: MedGen C0950123, MeSH D030342.
Orofacial-digital syndrome IV (OFD4). Also called: MOHR-MAJEWSKI SYNDROME; Orofaciodigital syndrome IV; OFD SYNDROME WITH TIBIAL DEFECTS; OFD SYNDROME, BARAITSER-BURN TYPE; OFDS IV; ORAL-FACIAL-DIGITAL SYNDROME, TYPE IV. Identifiers: Orphanet 2753, MedGen C0406727, MONDO:0009794, OMIM 258860.
Joubert syndrome 18 (JBTS18). Identifiers: Orphanet 2754, MedGen C3553758, MONDO:0013896, OMIM 614815.

Allele frequency attached by ClinVar (database versions not stated): gnomAD exomes 0.00004; ExAC 0.00005; gnomAD 0.00007 and 0.00008; TOPMed 0.00009; 1000 Genomes Project 0.00020; ESP Exome Variant Server 0.00023; 1000 Genomes Project 30x 0.00031.
gnomAD v4.1: 237 of 1,614,160 alleles (0.015%); highest among the groups gnomAD compares: Non-Finnish European, 0.019%; no homozygotes.

Submissions (5):

Ambry Genetics
Classification: Uncertain significance for Inborn genetic diseases. Last evaluated: 2025-03-05. Review status: criteria provided, single submitter. Criteria: Ambry Variant Classification Scheme 2023. Collection method: clinical testing. Allele origin: germline.

Labcorp Genetics (formerly Invitae), Labcorp
Classification: Uncertain significance for Joubert syndrome 18; Orofacial-digital syndrome IV. Last evaluated: 2023-11-27. Review status: criteria provided, single submitter. Criteria: Invitae Variant Classification Sherloc (09022015). Collection method: clinical testing. Allele origin: germline.
Comment: This sequence change replaces leucine, which is neutral and non-polar, with valine, which is neutral and non-polar, at codon 592 of the TCTN3 protein (p.Leu592Val). This variant is present in population databases (rs375708075, gnomAD 0.01%). This variant has not been reported in the literature in individuals affected with TCTN3-related conditions. ClinVar contains an entry for this variant (Variation ID: 194415). Algorithms developed to predict the effect of missense changes on protein structure and function output the following: SIFT: "Not Available"; PolyPhen-2: "Benign"; Align-GVGD: "Not Available". The valine amino acid residue is found in multiple mammalian species, which suggests that this missense change does not adversely affect protein function. In summary, the available evidence is currently insufficient to determine the role of this variant in disease. Therefore, it has been classified as a Variant of Uncertain Significance.

Victorian Clinical Genetics Services, Murdoch Childrens Research Institute
Classification: Uncertain significance for Joubert syndrome 18. Last evaluated: 2019-08-28. Review status: criteria provided, single submitter. Criteria: ACMG Guidelines, 2015. Collection method: clinical testing. Allele origin: germline. Inheritance: Autosomal recessive inheritance. Affected: yes.
Comment: A heterozygous missense variant was identified, NM_015631.5(TCTN3):c.1774C>G in exon 14 of 14 of the TCTN3 gene. This substitution is predicted to create a minor amino acid change from leucine to valine at position 592 of the protein, NP_056446.4(TCTN3):p.(Leu592Val). The leucine at this position has low conservation (100 vertebrates, UCSC), and it is not situated in a known functional domain. In silico software predicts this variant to be benign (Polyphen, SIFT, CADD, Mutation Taster). The variant is present in the gnomAD population database at a frequency of 0.0046% (13 heterozygotes, 0 homozygotes). The variant has been previously reported as a VUS in a clinical setting (ClinVar). Based on information available at the time of curation, this variant has been classified as a VARIANT of UNCERTAIN SIGNIFICANCE (VUS) with LOW CLINICAL RELEVANCE.

GeneDx
Classification: Uncertain significance. Last evaluated: 2017-01-20. Review status: criteria provided, single submitter. Criteria: GeneDx Variant Classification (06012015). Collection method: clinical testing. Allele origin: germline. Affected: yes.
Comment: A variant of uncertain significance has been identified in the TCTN3 gene. The L592V variant has not been published as a pathogenic variant, nor has it been reported as a benign variant to our knowledge. The L592V variant is not observed at a significant frequency in large population cohorts (Lek et al., 2016; 1000 Genomes Consortium et al., 2015; Exome Variant Server). The L592V variant is a conservative amino acid substitution, which is not likely to impact secondary protein structure as these residues share similar properties. This substitution occurs at a position that is not conserved, and in silico analysis predicts this variant likely does not alter the protein structure/function. Based on the currently available information, it is unclear whether this variant is a pathogenic variant or a rare benign variant.

Eurofins Ntd Llc (ga)
Classification: Uncertain significance. Last evaluated: 2015-02-24. Review status: criteria provided, single submitter. Criteria: EGL Classification Definitions 2015. Collection method: clinical testing. Allele origin: germline. Observed: 1 variant allele, 1 heterozygote.

NM_015631.6(TCTN3):c.1774C>G (p.Leu592Val)

Gene: TCTN3 (tectonic family member 3; minus strand). Cytogenetic location: 10q24.1.
Variant type: single nucleotide variant.
Coding change: c.1774C>G on transcript NM_015631.6 (MANE Select); coding-DNA position 1774, C replaced by G.
Protein change: p.Leu592Val; replaces leucine 592 with valine.
Molecular consequence: missense variant.
Genome position (GRCh38, 1-based): chr10:95,664,117, G>C on the plus strand (C>G on the coding strand, the complement: TCTN3 is on the minus strand). VCF-style: chr10-95664117-G-C. GRCh37 (hg19) VCF-style: chr10-97423874-G-C.
Other names: c.1330C>G, p.Leu444Val (NM_001143973.2); short protein forms L592V, L444V.
Identifiers: ClinVar variation 194415 (VCV000194415.12), dbSNP rs375708075, ClinGen allele CA240350.